The following is an entry in ClinVar:

NM_000548.5(TSC2):c.4717G>C (p.Glu1573Gln)

Gene: TSC2 (TSC complex subunit 2; plus strand). Cytogenetic location: 16p13.3.
Variant type: single nucleotide variant.
Coding change: c.4717G>C on transcript NM_000548.5 (MANE Select); coding-DNA position 4717, G replaced by C.
Protein change: p.Glu1573Gln; replaces glutamic acid 1573 with glutamine.
Molecular consequence: missense variant.
Genome position (GRCh38, 1-based): chr16:2,086,247, G>C. VCF-style: chr16-2086247-G-C. GRCh37 (hg19) VCF-style: chr16-2136248-G-C.
Other names: c.4516G>C, p.Glu1506Gln (NM_001077183.3); c.4648G>C, p.Glu1550Gln (NM_001114382.3); c.4408G>C, p.Glu1470Gln (NM_001318827.2); c.4372G>C, p.Glu1458Gln (NM_001318829.2); c.3985G>C, p.Glu1329Gln (NM_001318831.2); c.4549G>C, p.Glu1517Gln (NM_001318832.2); c.4519G>C, p.Glu1507Gln (NM_001363528.2); c.4585G>C, p.Glu1529Gln (NM_001370404.1); and 1 more; short protein forms E1507Q, E1529Q, E1573Q, E1470Q, E1550Q, E1329Q, E1458Q, E1506Q.
Identifiers: ClinVar variation 957358 (VCV000957358.9), dbSNP rs2090773157, ClinGen allele CA394307443.

ClinVar aggregate classification (germline): Uncertain significance (1 of 4 stars; one submission).

Conditions:
Tuberous sclerosis 2 (TSC2). Identifiers: Orphanet 805, MedGen C1860707, MONDO:0013199, OMIM 613254.

Submission:

Labcorp Genetics (formerly Invitae), Labcorp
Classification: Uncertain significance for Tuberous sclerosis 2. Last evaluated: 2025-07-30. Review status: criteria provided, single submitter. Criteria: Invitae Variant Classification Sherloc (09022015). Collection method: clinical testing. Allele origin: germline.
Comment: This sequence change replaces glutamic acid, which is acidic and polar, with glutamine, which is neutral and polar, at codon 1573 of the TSC2 protein (p.Glu1573Gln). This variant is not present in population databases (gnomAD no frequency). This variant has not been reported in the literature in individuals affected with TSC2-related conditions. ClinVar contains an entry for this variant (Variation ID: 957358). Invitae Evidence Modeling of protein sequence and biophysical properties (such as structural, functional, and spatial information, amino acid conservation, physicochemical variation, residue mobility, and thermodynamic stability) indicates that this missense variant is not expected to disrupt TSC2 protein function with a negative predictive value of 95%. In summary, the available evidence is currently insufficient to determine the role of this variant in disease. Therefore, it has been classified as a Variant of Uncertain Significance.